The following is an entry in ClinVar:

ClinVar aggregate classification (germline): Conflicting classifications of pathogenicity. Review status: criteria provided, conflicting classifications (1 of 4 stars). 3 submissions from 3 submitters: Uncertain significance (2); Likely benign (1). Last evaluated 2022-10-13.

Conditions:
Inborn genetic diseases. Identifiers: MedGen C0950123, MeSH D030342.
Ehlers-Danlos syndrome, dermatosparaxis type. Also called: EDS VIIC; Ehlers-Danlos syndrome, type VII, autosomal recessive; Dermatosparaxis. Identifiers: Orphanet 1901, MedGen C2700425, MONDO:0009161, OMIM 225410.

Allele frequency attached by ClinVar (database versions not stated): TOPMed 0.00001.
gnomAD v4.1: 8 of 1,552,130 alleles (0.00052%); highest among the groups gnomAD compares: East Asian, 0.0098%; no homozygotes.

Submissions (3):

Blueprint Genetics
Classification: Likely benign. Last evaluated: 2022-10-13. Review status: criteria provided, single submitter. Criteria: ACMG Guidelines, 2015. Collection method: clinical testing. Allele origin: germline.

Labcorp Genetics (formerly Invitae), Labcorp
Classification: Uncertain significance for Ehlers-Danlos syndrome, dermatosparaxis type. Last evaluated: 2022-08-19. Review status: criteria provided, single submitter. Criteria: Invitae Variant Classification Sherloc (09022015). Collection method: clinical testing. Allele origin: germline.
Comment: This sequence change replaces aspartic acid, which is acidic and polar, with asparagine, which is neutral and polar, at codon 1007 of the ADAMTS2 protein (p.Asp1007Asn). This variant is present in population databases (rs761101596, gnomAD 0.03%). This variant has not been reported in the literature in individuals affected with ADAMTS2-related conditions. Algorithms developed to predict the effect of missense changes on protein structure and function output the following: SIFT: "Tolerated"; PolyPhen-2: "Benign"; Align-GVGD: "Class C0". The asparagine amino acid residue is found in multiple mammalian species, which suggests that this missense change does not adversely affect protein function. In summary, the available evidence is currently insufficient to determine the role of this variant in disease. Therefore, it has been classified as a Variant of Uncertain Significance.

Ambry Genetics
Classification: Uncertain significance for Inborn genetic diseases. Last evaluated: 2021-08-02. Review status: criteria provided, single submitter. Criteria: Ambry Variant Classification Scheme 2023. Collection method: clinical testing. Allele origin: germline.

NM_014244.5(ADAMTS2):c.3019G>A (p.Asp1007Asn)

Gene: ADAMTS2 (ADAM metallopeptidase with thrombospondin type 1 motif 2; minus strand). Cytogenetic location: 5q35.3.
Variant type: single nucleotide variant.
Coding change: c.3019G>A on transcript NM_014244.5 (MANE Select); coding-DNA position 3019, G replaced by A.
Protein change: p.Asp1007Asn; replaces aspartic acid 1007 with asparagine.
Molecular consequence: missense variant.
Genome position (GRCh38, 1-based): chr5:179,122,713, C>T on the plus strand (G>A on the coding strand, the complement: ADAMTS2 is on the minus strand). VCF-style: chr5-179122713-C-T. GRCh37 (hg19) VCF-style: chr5-178549714-C-T.
Other names: short protein forms D1007N.
Identifiers: ClinVar variation 2068145 (VCV002068145.3), dbSNP rs761101596, ClinGen allele CA3595328.